The following is an entry in ClinVar:

ClinVar aggregate classification (germline): Uncertain significance. Review status: criteria provided, multiple submitters, no conflicts (2 of 4 stars). 6 submissions from 6 submitters: Uncertain significance (6). Last evaluated 2026-05-27.

Conditions:
CENPF-related disorder. Also called: CENPF-related condition.
Inborn genetic diseases. Identifiers: MedGen C0950123, MeSH D030342.

Allele frequency attached by ClinVar (database versions not stated): gnomAD exomes 0.00002 and 0.00004; ExAC 0.00005; ESP Exome Variant Server 0.00015; gnomAD 0.00020 and 0.00021; TOPMed 0.00026; 1000 Genomes Project 30x 0.00031; 1000 Genomes Project 0.00040.
gnomAD v4.1: 60 of 1,614,074 alleles (0.0037%); highest among the groups gnomAD compares: African/African-American, 0.075%; no homozygotes.

Submissions (6):

PreventionGenetics, part of Exact Sciences
Classification: Uncertain significance for CENPF-related condition. Last evaluated: 2026-05-27. Review status: criteria provided, single submitter. Criteria: ACMG Guidelines, 2015. Collection method: clinical testing. Allele origin: germline.
Comment: The CENPF c.9116C>G variant is predicted to result in the amino acid substitution p.Thr3039Arg. To our knowledge, this variant has not been reported in the literature. This variant is reported in 0.076% of alleles in individuals of African descent in gnomAD, which is likely too common for an undocumented disease-causing variant. Although we suspect that this variant may be benign, at this time, the clinical significance of this variant is uncertain due to the absence of conclusive functional and genetic evidence.

Ambry Genetics
Classification: Uncertain significance for Inborn genetic diseases. Last evaluated: 2025-09-25. Review status: criteria provided, single submitter. Criteria: Ambry Variant Classification Scheme 2023. Collection method: clinical testing. Allele origin: germline.

GeneDx
Classification: Uncertain significance. Last evaluated: 2025-07-28. Review status: criteria provided, single submitter. Criteria: GeneDx Variant Classification Process June 2021. Collection method: clinical testing. Allele origin: germline.
Comment: In silico analysis supports that this missense variant has a deleterious effect on protein structure/function; Has not been previously published as pathogenic or benign to our knowledge

Labcorp Genetics (formerly Invitae), Labcorp
Classification: Uncertain significance. Last evaluated: 2021-09-24. Review status: criteria provided, single submitter. Criteria: Invitae Variant Classification Sherloc (09022015). Collection method: clinical testing. Allele origin: germline.
Comment: This sequence change replaces threonine with arginine at codon 3039 of the CENPF protein (p.Thr3039Arg). The threonine residue is highly conserved and there is a moderate physicochemical difference between threonine and arginine. This variant is present in population databases (rs141439443, ExAC 0.06%). This variant has not been reported in the literature in individuals affected with CENPF-related conditions. ClinVar contains an entry for this variant (Variation ID: 434710). Algorithms developed to predict the effect of missense changes on protein structure and function are either unavailable or do not agree on the potential impact of this missense change (SIFT: "Deleterious"; PolyPhen-2: "Probably Damaging"; Align-GVGD: "Class C0"). In summary, the available evidence is currently insufficient to determine the role of this variant in disease. Therefore, it has been classified as a Variant of Uncertain Significance.

Genetic Services Laboratory, University of Chicago
Classification: Uncertain significance. Last evaluated: 2016-10-20. Review status: criteria provided, single submitter. Criteria: ACMG Guidelines, 2015. Collection method: clinical testing. Allele origin: germline. Affected: no.

Breakthrough Genomics
Classification: Uncertain significance. Review status: criteria provided, single submitter. Criteria: ACMG Guidelines, 2015. Collection method: not provided. Allele origin: germline. Inheritance: Autosomal recessive inheritance. Affected: yes.

NM_016343.4(CENPF):c.9116C>G (p.Thr3039Arg)

Gene: CENPF (centromere protein F; plus strand). Cytogenetic location: 1q41.
Variant type: single nucleotide variant.
Coding change: c.9116C>G on transcript NM_016343.4 (MANE Select); coding-DNA position 9116, C replaced by G.
Protein change: p.Thr3039Arg; replaces threonine 3039 with arginine.
Molecular consequence: missense variant.
Genome position (GRCh38, 1-based): chr1:214,659,003, C>G. VCF-style: chr1-214659003-C-G. GRCh37 (hg19) VCF-style: chr1-214832346-C-G.
Other names: short protein forms T3039R.
Identifiers: ClinVar variation 434710 (VCV000434710.15), dbSNP rs141439443, ClinGen allele CA1391569.